The following is an entry in ClinVar:

NM_002890.3(RASA1):c.770G>A (p.Ser257Asn)

Genes: CCNH (cyclin H; minus strand), RASA1 (RAS p21 protein activator 1; plus strand). Cytogenetic location: 5q14.3.
Variant type: single nucleotide variant.
Coding change: c.770G>A on transcript NM_002890.3 (MANE Select); coding-DNA position 770, G replaced by A.
Protein change: p.Ser257Asn; replaces serine 257 with asparagine.
Molecular consequence: missense variant. On other transcripts: intron variant (1).
Genome position (GRCh38, 1-based): chr5:87,332,584, G>A. VCF-style: chr5-87332584-G-A. GRCh37 (hg19) VCF-style: chr5-86628401-G-A.
Other names: c.239G>A, p.Ser80Asn (NM_022650.3); c.934-19789C>T (NM_001364075.2); short protein forms S80N, S257N.
Identifiers: ClinVar variation 4733911 (VCV004733911.1).

ClinVar aggregate classification (germline): Uncertain significance (1 of 4 stars; one submission).

Conditions:
Capillary malformation-arteriovenous malformation syndrome. Also called: Capillary malformation-arteriovenous malformation. Identifiers: Orphanet 137667, MedGen C1842180, MONDO:0012016.

gnomAD v4.1: 1 of 1,610,256 alleles (0.000062%); highest among the groups gnomAD compares: Non-Finnish European, 0.000085%; no homozygotes.

Submission:

Labcorp Genetics (formerly Invitae), Labcorp
Classification: Uncertain significance for Capillary malformation-arteriovenous malformation syndrome. Last evaluated: 2025-12-22. Review status: criteria provided, single submitter. Criteria: Invitae Variant Classification Sherloc (09022015). Collection method: clinical testing. Allele origin: germline.
Comment: This sequence change replaces serine, which is neutral and polar, with asparagine, which is neutral and polar, at codon 257 of the RASA1 protein (p.Ser257Asn). This variant is not present in population databases (gnomAD no frequency). This variant has not been reported in the literature in individuals affected with RASA1-related conditions. An algorithm developed to predict the effect of missense changes on protein structure and function (PolyPhen-2) suggests that this variant is likely to be tolerated. In summary, the available evidence is currently insufficient to determine the role of this variant in disease. Therefore, it has been classified as a Variant of Uncertain Significance.